The following is an entry in ClinVar:

ClinVar aggregate classification (germline): Uncertain significance (1 of 4 stars; one submission).

Conditions:
Epilepsy. Also called: Seizure disorder. Identifiers: MedGen C0014544, MeSH D004827, MONDO:0005027.

Allele frequency attached by ClinVar (database versions not stated): ExAC 0.00001; gnomAD 0.00001; gnomAD exomes 0.00001.

Submission:

Labcorp Genetics (formerly Invitae), Labcorp
Classification: Uncertain significance for Epilepsy. Last evaluated: 2021-07-13. Review status: criteria provided, single submitter. Criteria: Invitae Variant Classification Sherloc (09022015). Collection method: clinical testing. Allele origin: germline.
Comment: In summary, the available evidence is currently insufficient to determine the role of this variant in disease. Therefore, it has been classified as a Variant of Uncertain Significance. Nucleotide substitutions within the consensus splice site are a relatively common cause of aberrant splicing (PMID: 17576681, 9536098). Algorithms developed to predict the effect of sequence changes on RNA splicing suggest that this variant may disrupt the consensus splice site. This variant has not been reported in the literature in individuals affected with PIGQ-related conditions. This variant is present in population databases (rs772229096, ExAC 0.008%). This sequence change affects codon 531 of the PIGQ mRNA. It is a 'silent' change, meaning that it does not change the encoded amino acid sequence of the PIGQ protein. This variant also falls at the last nucleotide of exon 10, which is part of the consensus splice site for this exon.

Literature cited by the submitters: PubMed 17576681; PubMed 9536098.

NM_004204.5(PIGQ):c.1593G>A (p.Gln531=)

Gene: PIGQ (phosphatidylinositol glycan anchor biosynthesis class Q; plus strand). Cytogenetic location: 16p13.3.
Variant type: single nucleotide variant.
Coding change: c.1593G>A on transcript NM_004204.5 (MANE Select); coding-DNA position 1593, G replaced by A.
Protein change: p.Gln531=; no amino-acid change (glutamine 531 retained).
Molecular consequence: synonymous variant. On other transcripts: intron variant (1).
Genome position (GRCh38, 1-based): chr16:582,309, G>A. VCF-style: chr16-582309-G-A. GRCh37 (hg19) VCF-style: chr16-632309-G-A.
Other names: c.1532-574G>A (NM_148920.4).
Identifiers: ClinVar variation 1367022 (VCV001367022.6), dbSNP rs772229096, ClinGen allele CA7780456.